The following is an entry in ClinVar:

ClinVar aggregate classification (germline): Likely pathogenic (1 of 4 stars; one submission).

Conditions:
Giant axonal neuropathy 1 (GAN1). Also called: GIANT AXONAL NEUROPATHY 1, AUTOSOMAL RECESSIVE; GAN-Related Neurodegeneration. Identifiers: Orphanet 643, MedGen C1850386, MONDO:0009749, OMIM 256850.

Submission:

Labcorp Genetics (formerly Invitae), Labcorp
Classification: Likely pathogenic for Giant axonal neuropathy 1. Last evaluated: 2022-05-27. Review status: criteria provided, single submitter. Criteria: Invitae Variant Classification Sherloc (09022015). Collection method: clinical testing. Allele origin: germline.
Comment: This sequence change affects an acceptor splice site in intron 5 of the GAN gene. It is expected to disrupt RNA splicing. Variants that disrupt the donor or acceptor splice site typically lead to a loss of protein function (PMID: 16199547), and loss-of-function variants in GAN are known to be pathogenic (PMID: 12655563, 14718689, 23890932). This variant is not present in population databases (gnomAD no frequency). This variant has not been reported in the literature in individuals affected with GAN-related conditions. ClinVar contains an entry for this variant (Variation ID: 1503033). Algorithms developed to predict the effect of sequence changes on RNA splicing suggest that this variant may disrupt the consensus splice site. In summary, the currently available evidence indicates that the variant is pathogenic, but additional data are needed to prove that conclusively. Therefore, this variant has been classified as Likely Pathogenic.

Literature cited by the submitters: PubMed 16199547; PubMed 12655563; PubMed 14718689; PubMed 23890932.

NM_022041.4(GAN):c.974-2A>G

Gene: GAN (gigaxonin; plus strand). Cytogenetic location: 16q23.2.
Variant type: single nucleotide variant.
Coding change: c.974-2A>G on transcript NM_022041.4 (MANE Select); the canonical splice acceptor site of the intron before coding-DNA position 974, A replaced by G.
Molecular consequence: splice acceptor variant.
Genome position (GRCh38, 1-based): chr16:81,362,497, A>G. VCF-style: chr16-81362497-A-G. GRCh37 (hg19) VCF-style: chr16-81396102-A-G.
Other names: c.335-2A>G (NM_001377486.1).
Identifiers: ClinVar variation 1503033 (VCV001503033.6), dbSNP rs2150690183, ClinGen allele CA396874546.